The following is an entry in ClinVar:

ClinVar aggregate classification (germline): Uncertain significance. Review status: criteria provided, multiple submitters, no conflicts (2 of 4 stars). 2 submissions from 2 submitters: Uncertain significance (2). Last evaluated 2022-12-19.

Conditions:
Cardiovascular phenotype. Identifiers: MedGen CN230736.

Allele frequency attached by ClinVar (database versions not stated): gnomAD exomes below 0.00001 and 0.00001.
gnomAD v4.1: 14 of 1,614,256 alleles (0.00087%); highest among the groups gnomAD compares: Non-Finnish European, 0.0011%; no homozygotes.

Submissions (2):

Ambry Genetics
Classification: Uncertain significance for Cardiovascular phenotype. Last evaluated: 2022-12-19. Review status: criteria provided, single submitter. Criteria: Ambry Variant Classification Scheme 2023. Collection method: clinical testing. Allele origin: germline.
Comment: The p.K768E variant (also known as c.2302A>G), located in coding exon 16 of the APOB gene, results from an A to G substitution at nucleotide position 2302. The lysine at codon 768 is replaced by glutamic acid, an amino acid with similar properties. This amino acid position is conserved. In addition, this alteration is predicted to be tolerated by in silico analysis. Since supporting evidence is limited at this time, the clinical significance of this alteration remains unclear.

Eurofins Ntd Llc (ga)
Classification: Uncertain significance. Last evaluated: 2017-01-20. Review status: criteria provided, single submitter. Criteria: EGL Classification Definitions 2015. Collection method: clinical testing. Allele origin: germline. Observed: 1 variant allele, 1 heterozygote.

NM_000384.3(APOB):c.2302A>G (p.Lys768Glu)

Gene: APOB (apolipoprotein B; minus strand). Cytogenetic location: 2p24.1.
Variant type: single nucleotide variant.
Coding change: c.2302A>G on transcript NM_000384.3 (MANE Select); coding-DNA position 2302, A replaced by G.
Protein change: p.Lys768Glu; replaces lysine 768 with glutamic acid.
Molecular consequence: missense variant.
Genome position (GRCh38, 1-based): chr2:21,025,067, T>C on the plus strand (A>G on the coding strand, the complement: APOB is on the minus strand). VCF-style: chr2-21025067-T-C. GRCh37 (hg19) VCF-style: chr2-21247939-T-C.
Other names: c.2302A>G (NM_000384.2); short protein forms K768E.
Identifiers: ClinVar variation 500042 (VCV000500042.7), dbSNP rs1553385712, ClinGen allele CA346012079.